The following is an entry in ClinVar:

NM_018124.4(RFWD3):c.2223G>C (p.Gln741His)

Gene: RFWD3 (ring finger and WD repeat domain 3; minus strand). Cytogenetic location: 16q23.1.
Variant type: single nucleotide variant.
Coding change: c.2223G>C on transcript NM_018124.4 (MANE Select); coding-DNA position 2223, G replaced by C.
Protein change: p.Gln741His; replaces glutamine 741 with histidine.
Molecular consequence: missense variant.
Genome position (GRCh38, 1-based): chr16:74,624,030, C>G on the plus strand (G>C on the coding strand, the complement: RFWD3 is on the minus strand). VCF-style: chr16-74624030-C-G. GRCh37 (hg19) VCF-style: chr16-74657928-C-G.
Other names: c.2223G>C, p.Gln741His (NM_001370534.1, NM_001370535.1); c.2046G>C, p.Gln682His (NM_001370536.1); c.1389G>C, p.Gln463His (NM_001370537.1, NM_001370539.1, NM_001370540.1 and 3 more transcripts); c.2223G>C (NM_018124.3); short protein forms Q463H, Q682H, Q741H.
Identifiers: ClinVar variation 2194228 (VCV002194228.5), dbSNP rs763982760, ClinGen allele CA8168941.

ClinVar aggregate classification (germline): Uncertain significance. Review status: criteria provided, multiple submitters, no conflicts (2 of 4 stars). 2 submissions from 2 submitters: Uncertain significance (2). Last evaluated 2025-09-05.

Allele frequency attached by ClinVar (database versions not stated): ExAC 0.00001; gnomAD exomes 0.00003.
gnomAD v4.1: 42 of 1,613,940 alleles (0.0026%); highest among the groups gnomAD compares: Non-Finnish European, 0.0032%; 2 homozygotes.

Submissions (2):

Labcorp Genetics (formerly Invitae), Labcorp
Classification: Uncertain significance. Last evaluated: 2025-09-05. Review status: criteria provided, single submitter. Criteria: Invitae Variant Classification Sherloc (09022015). Collection method: clinical testing. Allele origin: germline.
Comment: This sequence change replaces glutamine, which is neutral and polar, with histidine, which is basic and polar, at codon 741 of the RFWD3 protein (p.Gln741His). This variant is present in population databases (rs763982760, gnomAD 0.002%). This variant has not been reported in the literature in individuals affected with RFWD3-related conditions. ClinVar contains an entry for this variant (Variation ID: 2194228). An algorithm developed to predict the effect of missense changes on protein structure and function (PolyPhen-2) suggests that this variant is likely to be disruptive. In summary, the available evidence is currently insufficient to determine the role of this variant in disease. Therefore, it has been classified as a Variant of Uncertain Significance.

Ambry Genetics
Classification: Uncertain significance. Last evaluated: 2021-09-21. Review status: criteria provided, single submitter. Criteria: Ambry Variant Classification Scheme 2023. Collection method: clinical testing. Allele origin: germline.